The following is an entry in ClinVar:

ClinVar aggregate classification (germline): Likely pathogenic (1 of 4 stars; one submission).

Conditions:
Dilated cardiomyopathy 1O (CMD1O). Also called: CARDIOMYOPATHY, DILATED, WITH VENTRICULAR TACHYCARDIA. Identifiers: Orphanet 154, MedGen C1837839, MONDO:0012062, OMIM 608569.

Allele frequency attached by ClinVar (database versions not stated): gnomAD exomes below 0.00001.
gnomAD v4.1: 1 of 1,606,650 alleles (0.000062%); highest among the groups gnomAD compares: Non-Finnish European, 0.000085%; no homozygotes.

Submission:

Labcorp Genetics (formerly Invitae), Labcorp
Classification: Likely pathogenic for Dilated cardiomyopathy 1O. Last evaluated: 2024-10-01. Review status: criteria provided, single submitter. Criteria: Invitae Variant Classification Sherloc (09022015). Collection method: clinical testing. Allele origin: germline.
Comment: This sequence change affects an acceptor splice site in intron 12 of the ABCC9 gene. It is expected to disrupt RNA splicing. Variants that disrupt the donor or acceptor splice site typically lead to a loss of protein function (PMID: 16199547), and loss-of-function variants in ABCC9 are known to be pathogenic (PMID: 31575858, 38217872). This variant is not present in population databases (gnomAD no frequency). This variant has not been reported in the literature in individuals affected with ABCC9-related conditions. ClinVar contains an entry for this variant (Variation ID: 1381567). Algorithms developed to predict the effect of sequence changes on RNA splicing suggest that this variant may disrupt the consensus splice site. In summary, the currently available evidence indicates that the variant is pathogenic, but additional data are needed to prove that conclusively. Therefore, this variant has been classified as Likely Pathogenic.

Literature cited by the submitters: PubMed 16199547; PubMed 31575858; PubMed 38217872.

NM_020297.4(ABCC9):c.1803-1G>A

Gene: ABCC9 (ATP binding cassette subfamily C member 9; minus strand). Cytogenetic location: 12p12.1.
Variant type: single nucleotide variant.
Coding change: c.1803-1G>A on transcript NM_020297.4 (MANE Select); the canonical splice acceptor site of the intron before coding-DNA position 1803, G replaced by A.
Molecular consequence: splice acceptor variant.
Genome position (GRCh38, 1-based): chr12:21,887,935, C>T on the plus strand (G>A on the coding strand, the complement: ABCC9 is on the minus strand). VCF-style: chr12-21887935-C-T. GRCh37 (hg19) VCF-style: chr12-22040869-C-T.
Other names: c.939-1G>A (NM_001377274.1); c.1803-1G>A (NM_005691.4, NM_001377273.1).
Identifiers: ClinVar variation 1381567 (VCV001381567.6), dbSNP rs2137691925, ClinGen allele CA384136064.